The following is an entry in ClinVar:

NM_001042492.3(NF1):c.6162G>A (p.Met2054Ile)

Gene: NF1 (neurofibromin 1; plus strand). Cytogenetic location: 17q11.2.
Variant type: single nucleotide variant.
Coding change: c.6162G>A on transcript NM_001042492.3 (MANE Select); coding-DNA position 6162, G replaced by A.
Protein change: p.Met2054Ile; replaces methionine 2054 with isoleucine.
Molecular consequence: missense variant.
Genome position (GRCh38, 1-based): chr17:31,336,649, G>A. VCF-style: chr17-31336649-G-A. GRCh37 (hg19) VCF-style: chr17-29663667-G-A.
Other names: c.6099G>A, p.Met2033Ile (NM_000267.4); short protein forms M2054I, M2033I.
Identifiers: ClinVar variation 484119 (VCV000484119.16), dbSNP rs876660651, ClinGen allele CA399011728.

ClinVar aggregate classification (germline): Conflicting classifications of pathogenicity. Review status: criteria provided, conflicting classifications (1 of 4 stars). 4 submissions from 4 submitters: Uncertain significance (3); Benign (1). Last evaluated 2025-05-19.

Conditions:
Hereditary cancer-predisposing syndrome. Also called: Tumor predisposition; Hereditary Cancer Syndrome; Neoplastic Syndromes, Hereditary; Hereditary neoplastic syndrome. Identifiers: Orphanet 140162, MedGen C0027672, MeSH D009386, MONDO:0015356.
Cardiovascular phenotype. Identifiers: MedGen CN230736.
Neurofibromatosis, type 1 (NF1). Also called: NEUROFIBROMATOSIS, TYPE I, SOMATIC; Peripheral type neurofibromatosis; Neurofibromatosis, type I; VON RECKLINGHAUSEN DISEASE. Identifiers: Orphanet 636, MedGen C0027831, MONDO:0018975, OMIM 162200. Disease mechanism: loss of function.

Allele frequency attached by ClinVar (database versions not stated): gnomAD exomes below 0.00001.
gnomAD v4.1: 1 of 1,611,244 alleles (0.000062%); highest among the groups gnomAD compares: Non-Finnish European, 0.000085%; no homozygotes.

Submissions (4):

Labcorp Genetics (formerly Invitae), Labcorp
Classification: Benign for Neurofibromatosis, type 1. Last evaluated: 2025-05-19. Review status: criteria provided, single submitter. Criteria: Invitae Variant Classification Sherloc (09022015). Collection method: clinical testing. Allele origin: germline.

Ambry Genetics
Classification: Uncertain significance for Cardiovascular phenotype; Hereditary cancer-predisposing syndrome. Last evaluated: 2025-05-03. Review status: criteria provided, single submitter. Criteria: Ambry Variant Classification Scheme 2023. Collection method: clinical testing. Allele origin: germline.
Comment: The p.M2033I variant (also known as c.6099G>A), located in coding exon 41 of the NF1 gene, results from a G to A substitution at nucleotide position 6099. The methionine at codon 2033 is replaced by isoleucine, an amino acid with highly similar properties. This amino acid position is highly conserved in available vertebrate species. In addition, the in silico prediction for this alteration is inconclusive. Since supporting evidence is limited at this time, the clinical significance of this alteration remains unclear.

Blueprint Genetics
Classification: Uncertain significance. Last evaluated: 2022-12-05. Review status: criteria provided, single submitter. Criteria: ACMG Guidelines, 2015. Collection method: clinical testing. Allele origin: germline.

Genome-Nilou Lab
Classification: Uncertain significance for Neurofibromatosis, type 1. Last evaluated: 2022-03-15. Review status: criteria provided, single submitter. Criteria: ACMG Guidelines, 2015. Collection method: clinical testing. Allele origin: germline. Affected: no.